The following is an entry in ClinVar:

NM_024996.7(GFM1):c.279A>G (p.Glu93=)

Gene: GFM1 (G elongation factor mitochondrial 1; plus strand). Cytogenetic location: 3q25.32.
Variant type: single nucleotide variant.
Coding change: c.279A>G on transcript NM_024996.7 (MANE Select); coding-DNA position 279, A replaced by G.
Protein change: p.Glu93=; no amino-acid change (glutamic acid 93 retained).
Molecular consequence: synonymous variant. On other transcripts: non-coding transcript variant (3), intron variant (4).
Genome position (GRCh38, 1-based): chr3:158,646,209, A>G. VCF-style: chr3-158646209-A-G. GRCh37 (hg19) VCF-style: chr3-158363998-A-G.
Other names: c.279A>G (NM_001308164.1); c.279A>G, p.Glu93= (NM_001308164.2, NM_001308166.2, NM_001374355.1 and 1 more transcripts); c.54A>G, p.Glu18= (NM_001374357.1); c.5+428A>G (NM_001374359.1, NM_001374360.1, NM_001374361.1); c.234+428A>G (NM_001374358.1).
Identifiers: ClinVar variation 1143104 (VCV001143104.10), dbSNP rs908378995, ClinGen allele CA86496029.

ClinVar aggregate classification (germline): Likely benign. Review status: criteria provided, multiple submitters, no conflicts (2 of 4 stars). 2 submissions from 2 submitters: Likely benign (2). Last evaluated 2026-08-04.

Conditions:
GFM1-related disorder. Also called: GFM1-related condition.

Allele frequency attached by ClinVar (database versions not stated): gnomAD exomes below 0.00001; gnomAD 0.00001; TOPMed 0.00001.
gnomAD v4.1: 3 of 1,613,808 alleles (0.00019%); highest among the groups gnomAD compares: Non-Finnish European, 0.000085%; no homozygotes.

Submissions (2):

PreventionGenetics, part of Exact Sciences
Classification: Likely benign for GFM1-related condition. Last evaluated: 2026-08-04. Review status: criteria provided, single submitter. Criteria: ACMG Guidelines, 2015. Collection method: clinical testing. Allele origin: germline.
Comment: This variant is classified as likely benign based on ACMG/AMP sequence variant interpretation guidelines (Richards et al. 2015 PMID: 25741868, with internal and published modifications).

Labcorp Genetics (formerly Invitae), Labcorp
Classification: Likely benign. Last evaluated: 2023-12-26. Review status: criteria provided, single submitter. Criteria: Invitae Variant Classification Sherloc (09022015). Collection method: clinical testing. Allele origin: germline.